The following is an entry in ClinVar:

NM_001849.4(COL6A2):c.900+2T>G

Gene: COL6A2 (collagen type VI alpha 2 chain; plus strand). Cytogenetic location: 21q22.3.
Variant type: single nucleotide variant.
Coding change: c.900+2T>G on transcript NM_001849.4 (MANE Select); the canonical splice donor site of the intron after coding-DNA position 900, T replaced by G.
Molecular consequence: splice donor variant.
Genome position (GRCh38, 1-based): chr21:46,116,055, T>G. VCF-style: chr21-46116055-T-G. GRCh37 (hg19) VCF-style: chr21-47535969-T-G.
Other names: c.900+2T>G (NM_058175.3, NM_058174.3).
Identifiers: ClinVar variation 3367032 (VCV003367032.3).

ClinVar aggregate classification (germline): Pathogenic/Likely pathogenic. Review status: criteria provided, multiple submitters, no conflicts (2 of 4 stars). 2 submissions from 2 submitters: Pathogenic (1); Likely pathogenic (1). Last evaluated 2024-03-27.

Conditions:
Ullrich congenital muscular dystrophy 1A. Also called: Intermediate COL6-RD; Ullrich congenital muscular dystrophy 1. Identifiers: Orphanet 75840, MedGen C0410179, MONDO:0009681, OMIM 254090.
Bethlem myopathy 1A. Also called: MYOPATHY, BENIGN CONGENITAL, WITH CONTRACTURES; Bethlem Muscular Dystrophy; Bethlem myopathy 1. Identifiers: Orphanet 610, MedGen CN029274, MONDO:0024530, OMIM 158810.

Submissions (2):

Labcorp Genetics (formerly Invitae), Labcorp
Classification: Pathogenic for Bethlem myopathy 1A. Last evaluated: 2024-03-27. Review status: criteria provided, single submitter. Criteria: Invitae Variant Classification Sherloc (09022015). Collection method: clinical testing. Allele origin: germline.
Comment: This sequence change affects a donor splice site in intron 7 of the COL6A2 gene. It is expected to disrupt RNA splicing. Variants that disrupt the donor or acceptor splice site typically lead to a loss of protein function (PMID: 16199547), and loss-of-function variants in COL6A2 are known to be pathogenic (PMID: 19884007, 20976770). This variant is not present in population databases (gnomAD no frequency). Disruption of this splice site has been observed in individual(s) with clinical features of autosomal dominant type VI collagenopathies (PMID: 25204870, 29419890). In at least one individual the variant was observed to be de novo. Algorithms developed to predict the effect of sequence changes on RNA splicing suggest that this variant may disrupt the consensus splice site. For these reasons, this variant has been classified as Pathogenic.

Neuberg Centre For Genomic Medicine, NCGM
Classification: Likely pathogenic for Ullrich congenital muscular dystrophy 1A. Last evaluated: 2023-05-20. Review status: criteria provided, single submitter. Criteria: ACMG Guidelines, 2015. Collection method: clinical testing. Allele origin: germline. Inheritance: Autosomal dominant inheritance. Affected: yes.
Comment: Ullrich congenital muscular dystrophy-1 (UCMD1) can be caused by homozygous, compound heterozygous, or heterozygous mutation in COL6A2 gene. Ullrich congenital muscular dystrophy is characterized by generalized muscle weakness and striking hypermobility of distal joints in conjunction with variable contractures of more proximal joints and normal intelligence. Additional findings may include kyphoscoliosis, protruded calcanei, and follicular hyperkeratosis. Some patients manifest at birth and never achieve independent ambulation, whereas others maintain ambulation into adulthood. Progressive scoliosis and deterioration of respiratory function is a typical feature (Kirschner, 2013). The gene is also associated with AR inheritance pattern of Ullrich congenital muscular dystrophy-1. Results of parental testing will help confirm inheritance pattern as well as diagnosis.

Literature cited by the submitters: PubMed 16199547 (cited by Labcorp Genetics (formerly Invitae), Labcorp); PubMed 19884007 (cited by Labcorp Genetics (formerly Invitae), Labcorp); PubMed 20976770 (cited by Labcorp Genetics (formerly Invitae), Labcorp); PubMed 25204870 (cited by Labcorp Genetics (formerly Invitae), Labcorp); PubMed 29419890 (cited by Labcorp Genetics (formerly Invitae), Labcorp).